The following is an entry in ClinVar:

NM_000094.4(COL7A1):c.7580G>A (p.Gly2527Glu)

Gene: COL7A1 (collagen type VII alpha 1 chain; minus strand). Cytogenetic location: 3p21.31.
Variant type: single nucleotide variant.
Coding change: c.7580G>A on transcript NM_000094.4 (MANE Select); coding-DNA position 7580, G replaced by A.
Protein change: p.Gly2527Glu; replaces glycine 2527 with glutamic acid.
Molecular consequence: missense variant.
Genome position (GRCh38, 1-based): chr3:48,569,626, C>T on the plus strand (G>A on the coding strand, the complement: COL7A1 is on the minus strand). VCF-style: chr3-48569626-C-T. GRCh37 (hg19) VCF-style: chr3-48607059-C-T.
Other names: short protein forms G2527E.
Identifiers: ClinVar variation 2581621 (VCV002581621.3), dbSNP rs906208330, ClinGen allele CA73973744.
Genomic context (GRCh38, chr3:48,569,626, plus strand): 5'-CCCAGTCCACACGTGGGCCCACTCACCATGTCCCCCTTGGCACCCCGTGGGCCTGGAGGC[C>T]CCAGGATCACAGCTGAGTCTCCCTGAGGGGGCAGGCAGGAATCAGAGGAGTCGGGAGCAC-3'
Protein context (NP_000085.1, residues 2517-2537): GDKGDSAVIL[Gly2527Glu]PPGPRGAKGD

ClinVar aggregate classification (germline): Conflicting classifications of pathogenicity. Review status: criteria provided, conflicting classifications (1 of 4 stars). 3 submissions from 3 submitters: Likely pathogenic (1); Uncertain significance (2). Last evaluated 2025-11-10.

Conditions:
Recessive dystrophic epidermolysis bullosa (RDEB). Also called: DYSTROPHIC EPIDERMOLYSIS BULLOSA, AUTOSOMAL RECESSIVE; EPIDERMOLYSIS BULLOSA DYSTROPHICA, HALLOPEAU-SIEMENS TYPE; EPIDERMOLYSIS BULLOSA DYSTROPHICA, GENERALIZED SEVERE, AUTOSOMAL RECESSIVE; epidermolysis bullosa dystrophica, autosomal recessive; Hallopeau-Siemens Disease; severe generalized recessive dystrophic epidermolysis bullosa. Identifiers: Orphanet 79408, Orphanet 79409, MedGen C0079474, MONDO:0009179, OMIM 226600.
Epidermolysis bullosa dystrophica. Also called: Dystrophic epidermolysis bullosa, Hallopeau-Siemens type (formerly); Dystrophic epidermolysis bullosa. Identifiers: Orphanet 303, MedGen C0079294, MONDO:0006543.

Allele frequency attached by ClinVar (database versions not stated): gnomAD exomes below 0.00001; gnomAD 0.00001.
gnomAD v4.1: 7 of 1,613,720 alleles (0.00043%); highest among the groups gnomAD compares: South Asian, 0.0011%; no homozygotes.

Submissions (3):

Myriad Genetics, Inc.
Classification: Uncertain significance for Recessive dystrophic epidermolysis bullosa. Last evaluated: 2025-11-10. Review status: criteria provided, single submitter. Criteria: Myriad Autosomal Dominant, Autosomal Recessive and X-Linked Classification Criteria (2023). Collection method: clinical testing. Allele origin: unknown.
Comment: NM_000094.3(COL7A1):c.7580G>A(G2527E) is a missense variant classified as a variant of uncertain significance in the context of dystrophic epidermolysis bullosa. G2527E has been observed in a case with relevant disease (PMID: 29242947). Relevant functional assessments of this variant are not available in the literature. G2527E has been observed in referenced population frequency databases. In summary, there is insufficient evidence to classify NM_000094.3(COL7A1):c.7580G>A(G2527E) as pathogenic or benign. Please note: this variant was assessed in the context of healthy population screening.

Labcorp Genetics (formerly Invitae), Labcorp
Classification: Uncertain significance. Last evaluated: 2024-11-19. Review status: criteria provided, single submitter. Criteria: Invitae Variant Classification Sherloc (09022015). Collection method: clinical testing. Allele origin: germline.
Comment: This sequence change replaces glycine, which is neutral and non-polar, with glutamic acid, which is acidic and polar, at codon 2527 of the COL7A1 protein (p.Gly2527Glu). This variant is present in population databases (no rsID available, gnomAD 0.002%). This missense change has been observed in individual(s) with autosomal dominant dystrophic epidermolysis bullosa (PMID: 29242947). ClinVar contains an entry for this variant (Variation ID: 2581621). Invitae Evidence Modeling of protein sequence and biophysical properties (such as structural, functional, and spatial information, amino acid conservation, physicochemical variation, residue mobility, and thermodynamic stability) indicates that this missense variant is expected to disrupt COL7A1 protein function with a positive predictive value of 95%. In summary, the available evidence is currently insufficient to determine the role of this variant in disease. Therefore, it has been classified as a Variant of Uncertain Significance.

Women's Health and Genetics/Laboratory Corporation of America, LabCorp
Classification: Likely pathogenic for Epidermolysis bullosa dystrophica. Last evaluated: 2023-08-10. Review status: criteria provided, single submitter. Criteria: LabCorp Variant Classification Summary - May 2015. Collection method: clinical testing. Allele origin: germline.
Comment: Variant summary: COL7A1 c.7580G>A (p.Gly2527Glu) results in a non-conservative amino acid change located in the Collagen triple helix repeat (IPR008160) of the encoded protein sequence. Alterations of glycine residues within the collagen triple-helix are common mechanisms of disease. Five of five in-silico tools predict a damaging effect of the variant on protein function. The variant allele was found at a frequency of 8e-06 in 250240 control chromosomes (gnomAD). c.7580G>A has been reported in the literature in individuals affected with Dystrophic Epidermolysis Bullosa (Has_2018). This report does not provide unequivocal conclusions about association of the variant with Dystrophic Epidermolysis Bullosa. To our knowledge, no experimental evidence demonstrating an impact on protein function has been reported. The following publication has been ascertained in the context of this evaluation (PMID: 29242947). No submitters have cited clinical-significance assessments for this variant to ClinVar after 2014. Based on the evidence outlined above, the variant was classified as likely pathogenic.

Literature cited by the submitters: PubMed 29242947 (cited by 3 submitters).